The following is an entry in ClinVar:

ClinVar aggregate classification (germline): Uncertain significance (1 of 4 stars; one submission).

gnomAD v4.1: 1 of 1,608,980 alleles (0.000062%); highest among the groups gnomAD compares: Non-Finnish European, 0.000085%; no homozygotes.

Submission:

GeneDx
Classification: Uncertain significance. Last evaluated: 2026-01-29. Review status: criteria provided, single submitter. Criteria: GeneDx Variant Classification Process June 2021. Collection method: clinical testing. Allele origin: germline.
Comment: Not observed at significant frequency in large population cohorts (gnomAD); In silico analysis suggests that this missense variant does not alter protein structure/function; Has not been previously published as pathogenic or benign to our knowledge

NM_022455.5(NSD1):c.4213C>G (p.Gln1405Glu)

Gene: NSD1 (nuclear receptor binding SET domain protein 1; plus strand). Cytogenetic location: 5q35.3.
Variant type: single nucleotide variant.
Coding change: c.4213C>G on transcript NM_022455.5 (MANE Select); coding-DNA position 4213, C replaced by G.
Protein change: p.Gln1405Glu; replaces glutamine 1405 with glutamic acid.
Molecular consequence: missense variant.
Genome position (GRCh38, 1-based): chr5:177,239,776, C>G. VCF-style: chr5-177239776-C-G. GRCh37 (hg19) VCF-style: chr5-176666777-C-G.
Other names: c.3340C>G, p.Gln1114Glu (NM_001365684.2, NM_001409306.1, NM_001409307.1 and 3 more transcripts); c.4213C>G, p.Gln1405Glu (NM_001409301.1, NM_001409302.1, NM_001409303.1); c.3793C>G, p.Gln1265Glu (NM_001409304.1); c.3460C>G, p.Gln1154Glu (NM_001409305.1); short protein forms Q1114E, Q1154E, Q1265E, Q1405E.
Identifiers: ClinVar variation 3360399 (VCV003360399.2).